The following is an entry in ClinVar:

NM_025265.4(TSEN2):c.963G>A (p.Glu321=)

Gene: TSEN2 (tRNA splicing endonuclease subunit 2; plus strand). Cytogenetic location: 3p25.2.
Variant type: single nucleotide variant.
Coding change: c.963G>A on transcript NM_025265.4 (MANE Select); coding-DNA position 963, G replaced by A.
Protein change: p.Glu321=; no amino-acid change (glutamic acid 321 retained).
Molecular consequence: synonymous variant. On other transcripts: non-coding transcript variant (1).
Genome position (GRCh38, 1-based): chr3:12,519,061, G>A. VCF-style: chr3-12519061-G-A. GRCh37 (hg19) VCF-style: chr3-12560560-G-A.
Other names: p.E321E:GAG>GAA; c.963G>A, p.Glu321= (NM_001145392.2, NM_001321277.2, NM_001321278.2); c.885G>A, p.Glu295= (NM_001145393.3, NM_001321279.2); c.786G>A, p.Glu262= (NM_001145394.2).
Identifiers: ClinVar variation 137751 (VCV000137751.18), dbSNP rs17036879, ClinGen allele CA173690.

ClinVar aggregate classification (germline): Benign. Review status: criteria provided, multiple submitters, no conflicts (2 of 4 stars). 6 submissions from 6 submitters: Benign (6). Last evaluated 2026-02-04.

Conditions:
Pontoneocerebellar hypoplasia. Also called: Non-syndromic pontocerebellar hypoplasia; Pontocerebellar hypoplasia. Identifiers: Orphanet 98523, MedGen C1261175, MONDO:0020135.

Allele frequency attached by ClinVar (database versions not stated): ESP Exome Variant Server 0.01230; gnomAD 0.01671 and 0.01855; gnomAD exomes 0.01677 and 0.02284; TOPMed 0.01948; ExAC 0.02282; 1000 Genomes Project 0.03754; 1000 Genomes Project 30x 0.03810.
gnomAD v4.1: 27,438 of 1,614,074 alleles (1.7%); highest among the groups gnomAD compares: South Asian, 5.5%; 463 homozygotes.

Submissions (6):

Labcorp Genetics (formerly Invitae), Labcorp
Classification: Benign. Last evaluated: 2026-02-04. Review status: criteria provided, single submitter. Criteria: Invitae Variant Classification Sherloc (09022015). Collection method: clinical testing. Allele origin: germline.

Illumina Laboratory Services, Illumina
Classification: Benign for Pontoneocerebellar hypoplasia. Last evaluated: 2018-01-12. Review status: criteria provided, single submitter. Criteria: ICSL Variant Classification Criteria 13 December 2019. Collection method: clinical testing. Allele origin: germline.
Comment: This variant was observed in the ICSL laboratory as part of a predisposition screen in an ostensibly healthy population. It had not been previously curated by ICSL or reported in the Human Gene Mutation Database (HGMD: prior to June 1st, 2018), and was therefore a candidate for classification through an automated scoring system. Utilizing variant allele frequency, disease prevalence and penetrance estimates, and inheritance mode, an automated score was calculated to assess if this variant is too frequent to cause the disease. Based on the score and internal cut-off values, a variant classified as benign is not then subjected to further curation. The score for this variant resulted in a classification of benign for this disease.

GeneDx
Classification: Benign. Last evaluated: 2014-06-04. Review status: criteria provided, single submitter. Criteria: GeneDx Variant Classification (06012015). Collection method: clinical testing. Allele origin: germline. Affected: yes.
Comment: This variant is considered likely benign or benign based on one or more of the following criteria: it is a conservative change, it occurs at a poorly conserved position in the protein, it is predicted to be benign by multiple in silico algorithms, and/or has population frequency not consistent with disease.

Genetic Services Laboratory, University of Chicago
Classification: Benign. Last evaluated: 2013-02-08. Review status: criteria provided, single submitter. Criteria: ACMG Guidelines, 2007. Collection method: clinical testing. Allele origin: germline. Inheritance: Autosomal recessive inheritance.

Breakthrough Genomics
Classification: Benign. Review status: criteria provided, single submitter. Criteria: ACMG Guidelines, 2015. Collection method: not provided. Allele origin: germline. Inheritance: Autosomal recessive inheritance. Affected: yes.

PreventionGenetics, part of Exact Sciences
Classification: Benign. Review status: criteria provided, single submitter. Criteria: ACMG Guidelines, 2015. Collection method: clinical testing. Allele origin: germline.